The following is an entry in ClinVar:

NM_003748.4(ALDH4A1):c.739C>T (p.Arg247Cys)

Gene: ALDH4A1 (aldehyde dehydrogenase 4 family member A1; minus strand). Cytogenetic location: 1p36.13.
Variant type: single nucleotide variant.
Coding change: c.739C>T on transcript NM_003748.4 (MANE Select); coding-DNA position 739, C replaced by T.
Protein change: p.Arg247Cys; replaces arginine 247 with cysteine.
Molecular consequence: missense variant.
Genome position (GRCh38, 1-based): chr1:18,881,827, G>A on the plus strand (C>T on the coding strand, the complement: ALDH4A1 is on the minus strand). VCF-style: chr1-18881827-G-A. GRCh37 (hg19) VCF-style: chr1-19208321-G-A.
Other names: c.739C>T (NM_003748.3); c.559C>T, p.Arg187Cys (NM_001161504.2); c.739C>T, p.Arg247Cys (NM_001319218.2, NM_170726.3); short protein forms R247C, R187C.
Identifiers: ClinVar variation 1475616 (VCV001475616.9), dbSNP rs748025331, ClinGen allele CA647214.

ClinVar aggregate classification (germline): Uncertain significance. Review status: criteria provided, multiple submitters, no conflicts (2 of 4 stars). 3 submissions from 3 submitters: Uncertain significance (3). Last evaluated 2024-11-24.

Conditions:
Hyperprolinemia type 2 (HYRPRO2). Also called: 1-PYRROLINE-5-CARBOXYLATE DEHYDROGENASE DEFICIENCY; Deficiency of pyrroline-5-carboxylate reductase; Delta-1-pyrroline-5-carboxylate dehydrogenase deficiency. Identifiers: Orphanet 79101, MedGen C2931835, MONDO:0009401, OMIM 239510.

Allele frequency attached by ClinVar (database versions not stated): TOPMed 0.00008; gnomAD exomes 0.00009 and 0.00012; ExAC 0.00010; gnomAD 0.00010.

Submissions (3):

Ambry Genetics
Classification: Uncertain significance. Last evaluated: 2024-11-24. Review status: criteria provided, single submitter. Criteria: Ambry Variant Classification Scheme 2023. Collection method: clinical testing. Allele origin: germline.

Labcorp Genetics (formerly Invitae), Labcorp
Classification: Uncertain significance for Hyperprolinemia type 2. Last evaluated: 2022-07-26. Review status: criteria provided, single submitter. Criteria: Invitae Variant Classification Sherloc (09022015). Collection method: clinical testing. Allele origin: germline.
Comment: This sequence change replaces arginine, which is basic and polar, with cysteine, which is neutral and slightly polar, at codon 247 of the ALDH4A1 protein (p.Arg247Cys). This variant is present in population databases (rs748025331, gnomAD 0.03%). This variant has not been reported in the literature in individuals affected with ALDH4A1-related conditions. ClinVar contains an entry for this variant (Variation ID: 1475616). Algorithms developed to predict the effect of missense changes on protein structure and function are either unavailable or do not agree on the potential impact of this missense change (SIFT: "Deleterious"; PolyPhen-2: "Benign"; Align-GVGD: "Class C15"). In summary, the available evidence is currently insufficient to determine the role of this variant in disease. Therefore, it has been classified as a Variant of Uncertain Significance.

Fulgent Genetics
Classification: Uncertain significance for Hyperprolinemia type 2. Last evaluated: 2022-05-16. Review status: criteria provided, single submitter. Criteria: ACMG Guidelines, 2015. Collection method: clinical testing. Allele origin: unknown.